The following is an entry in ClinVar:

NC_000013.11:g.76992027G>C

Gene: CLN5 (CLN5 lysosomal BMP synthase; plus strand). Cytogenetic location: 13q22.3.
Variant type: single nucleotide variant.
Genome position: GRCh38 VCF-style: chr13-76992027-G-C. GRCh37 (hg19) VCF-style: chr13-77566162-G-C.
Identifiers: ClinVar variation 1525826 (VCV001525826.8), dbSNP rs2154034205, ClinGen allele CA388305893.

ClinVar aggregate classification (germline): Uncertain significance (1 of 4 stars; one submission).

Conditions:
Neuronal ceroid lipofuscinosis. Also called: Neuronal Ceroid Lipofuscinoses. Identifiers: Orphanet 216, Orphanet 79263, MedGen C0027877, MONDO:0016295. Disease mechanism: loss of function.

Submission:

Labcorp Genetics (formerly Invitae), Labcorp
Classification: Uncertain significance for Neuronal ceroid lipofuscinosis. Last evaluated: 2021-04-12. Review status: criteria provided, single submitter. Criteria: Invitae Variant Classification Sherloc (09022015). Collection method: clinical testing. Allele origin: germline.
Comment: In summary, the available evidence is currently insufficient to determine the role of this variant in disease. Therefore, it has been classified as a Variant of Uncertain Significance. Algorithms developed to predict the effect of missense changes on protein structure and function are either unavailable or do not agree on the potential impact of this missense change (SIFT: "Deleterious"; PolyPhen-2: "Possibly Damaging"; Align-GVGD: "Class C0"). This variant has not been reported in the literature in individuals with CLN5-related conditions. This variant is not present in population databases (ExAC no frequency). This sequence change replaces alanine with proline at codon 26 of the CLN5 protein (p.Ala26Pro). The alanine residue is weakly conserved and there is a small physicochemical difference between alanine and proline.